The following is an entry in ClinVar:

NM_022089.4(ATP13A2):c.2978C>G (p.Pro993Arg)

Gene: ATP13A2 (ATPase cation transporting 13A2; minus strand). Cytogenetic location: 1p36.13.
Variant type: single nucleotide variant.
Coding change: c.2978C>G on transcript NM_022089.4 (MANE Select); coding-DNA position 2978, C replaced by G.
Protein change: p.Pro993Arg; replaces proline 993 with arginine.
Molecular consequence: missense variant.
Genome position (GRCh38, 1-based): chr1:16,987,151, G>C on the plus strand (C>G on the coding strand, the complement: ATP13A2 is on the minus strand). VCF-style: chr1-16987151-G-C. GRCh37 (hg19) VCF-style: chr1-17313646-G-C.
Other names: c.2963C>G, p.Pro988Arg (NM_001141973.3); c.2846C>G, p.Pro949Arg (NM_001141974.3); short protein forms P949R, P988R, P993R.
Identifiers: ClinVar variation 1051144 (VCV001051144.2), dbSNP rs146559160, ClinGen allele CA636653.

ClinVar aggregate classification (germline): Uncertain significance (1 of 4 stars; one submission).

Conditions:
Kufor-Rakeb syndrome (KRS). Also called: PARKINSON DISEASE 9, AUTOSOMAL RECESSIVE, JUVENILE-ONSET. Identifiers: Orphanet 306674, Orphanet 314632, MedGen C1847640, MONDO:0011706, OMIM 606693.
Autosomal recessive spastic paraplegia type 78. Identifiers: Orphanet 513436, MedGen C5567893, MONDO:0014975, OMIM 617225.

gnomAD v4.1: 9 of 1,612,986 alleles (0.00056%); highest among the groups gnomAD compares: Non-Finnish European, 0.00076%; no homozygotes.

Submission:

Labcorp Genetics (formerly Invitae), Labcorp
Classification: Uncertain significance for Kufor-Rakeb syndrome; Autosomal recessive spastic paraplegia type 78. Last evaluated: 2022-09-12. Review status: criteria provided, single submitter. Criteria: Invitae Variant Classification Sherloc (09022015). Collection method: clinical testing. Allele origin: germline.
Comment: This sequence change replaces proline, which is neutral and non-polar, with arginine, which is basic and polar, at codon 993 of the ATP13A2 protein (p.Pro993Arg). This variant is present in population databases (rs146559160, gnomAD 0.0009%). This variant has not been reported in the literature in individuals affected with ATP13A2-related conditions. ClinVar contains an entry for this variant (Variation ID: 1051144). Advanced modeling of protein sequence and biophysical properties (such as structural, functional, and spatial information, amino acid conservation, physicochemical variation, residue mobility, and thermodynamic stability) performed at Invitae indicates that this missense variant is not expected to disrupt ATP13A2 protein function. In summary, the available evidence is currently insufficient to determine the role of this variant in disease. Therefore, it has been classified as a Variant of Uncertain Significance.